The following is an entry in ClinVar:

NM_025099.6(CTC1):c.2819G>A (p.Cys940Tyr)

Gene: CTC1 (CST telomere replication complex component 1; minus strand). Cytogenetic location: 17p13.1.
Variant type: single nucleotide variant.
Coding change: c.2819G>A on transcript NM_025099.6 (MANE Select); coding-DNA position 2819, G replaced by A.
Protein change: p.Cys940Tyr; replaces cysteine 940 with tyrosine.
Molecular consequence: missense variant. On other transcripts: non-coding transcript variant (1).
Genome position (GRCh38, 1-based): chr17:8,230,408, C>T on the plus strand (G>A on the coding strand, the complement: CTC1 is on the minus strand). VCF-style: chr17-8230408-C-T. GRCh37 (hg19) VCF-style: chr17-8133726-C-T.
Other names: c.2819G>A, p.Cys940Tyr (NM_001411067.1); short protein forms C940Y.
Identifiers: ClinVar variation 2029716 (VCV002029716.1), dbSNP rs1176962131, ClinGen allele CA397974335.

ClinVar aggregate classification (germline): Uncertain significance (1 of 4 stars; one submission).

Conditions:
Dyskeratosis congenita. Identifiers: Orphanet 1775, MedGen C0265965, MONDO:0015780.

Allele frequency attached by ClinVar (database versions not stated): gnomAD exomes below 0.00001; TOPMed below 0.00001.
gnomAD v4.1: 2 of 1,614,158 alleles (0.00012%); highest among the groups gnomAD compares: Admixed American, 0.0017%; no homozygotes.

Submission:

Labcorp Genetics (formerly Invitae), Labcorp
Classification: Uncertain significance for Dyskeratosis congenita. Last evaluated: 2022-07-27. Review status: criteria provided, single submitter. Criteria: Invitae Variant Classification Sherloc (09022015). Collection method: clinical testing. Allele origin: germline.
Comment: This sequence change replaces cysteine, which is neutral and slightly polar, with tyrosine, which is neutral and polar, at codon 940 of the CTC1 protein (p.Cys940Tyr). This variant is present in population databases (no rsID available, gnomAD 0.003%). This variant has not been reported in the literature in individuals affected with CTC1-related conditions. Algorithms developed to predict the effect of missense changes on protein structure and function output the following: SIFT: "Deleterious"; PolyPhen-2: "Benign"; Align-GVGD: "Class C0". The tyrosine amino acid residue is found in multiple mammalian species, which suggests that this missense change does not adversely affect protein function. In summary, the available evidence is currently insufficient to determine the role of this variant in disease. Therefore, it has been classified as a Variant of Uncertain Significance.